The following is an entry in ClinVar:

ClinVar aggregate classification (germline): Uncertain significance (1 of 4 stars; one submission).

gnomAD v4.1: 2 of 1,613,854 alleles (0.00012%); highest among the groups gnomAD compares: Non-Finnish European, 0.00017%; no homozygotes.

Submission:

Labcorp Genetics (formerly Invitae), Labcorp
Classification: Uncertain significance. Last evaluated: 2025-10-29. Review status: criteria provided, single submitter. Criteria: Invitae Variant Classification Sherloc (09022015). Collection method: clinical testing. Allele origin: germline.
Comment: This sequence change replaces serine, which is neutral and polar, with threonine, which is neutral and polar, at codon 245 of the ANGPT1 protein (p.Ser245Thr). This variant is present in population databases (rs182508127, gnomAD 0.002%). This variant has not been reported in the literature in individuals affected with ANGPT1-related conditions. An algorithm developed to predict the effect of missense changes on protein structure and function outputs the following: PolyPhen-2: "Benign". The threonine amino acid residue is found in multiple mammalian species, which suggests that this missense change does not adversely affect protein function. In summary, the available evidence is currently insufficient to determine the role of this variant in disease. Therefore, it has been classified as a Variant of Uncertain Significance.

NM_001146.5(ANGPT1):c.734G>C (p.Ser245Thr)

Gene: ANGPT1 (angiopoietin 1; minus strand). Cytogenetic location: 8q23.1.
Variant type: single nucleotide variant.
Coding change: c.734G>C on transcript NM_001146.5 (MANE Select); coding-DNA position 734, G replaced by C.
Protein change: p.Ser245Thr; replaces serine 245 with threonine.
Molecular consequence: missense variant.
Genome position (GRCh38, 1-based): chr8:107,321,970, C>G on the plus strand (G>C on the coding strand, the complement: ANGPT1 is on the minus strand). VCF-style: chr8-107321970-C-G. GRCh37 (hg19) VCF-style: chr8-108334198-C-G.
Other names: c.734G>C, p.Ser245Thr (NM_001199859.3); c.134G>C, p.Ser45Thr (NM_001314051.2); short protein forms S45T, S245T.
Identifiers: ClinVar variation 4769634 (VCV004769634.1).